The following is an entry in ClinVar:

ClinVar aggregate classification (germline): Uncertain significance (1 of 4 stars; one submission).

Allele frequency attached by ClinVar (database versions not stated): gnomAD exomes below 0.00001; TOPMed below 0.00001.
gnomAD v4.1: 1 of 1,613,982 alleles (0.000062%); highest among the groups gnomAD compares: Admixed American, 0.0017%; no homozygotes.

Submission:

Mayo Clinic Laboratories, Mayo Clinic
Classification: Uncertain significance. Last evaluated: 2023-04-19. Review status: criteria provided, single submitter. Criteria: ACMG Guidelines, 2015. Collection method: clinical testing. Allele origin: germline. Observed: 1 variant allele.
Comment: BP5

NM_001267550.2(TTN):c.30127C>T (p.His10043Tyr)

Gene: TTN (titin; minus strand). Cytogenetic location: 2q31.2.
Variant type: single nucleotide variant.
Coding change: c.30127C>T on transcript NM_001267550.2 (MANE Select); coding-DNA position 30127, C replaced by T.
Protein change: p.His10043Tyr; replaces histidine 10043 with tyrosine.
Molecular consequence: missense variant. On other transcripts: intron variant (3).
Genome position (GRCh38, 1-based): chr2:178,704,243, G>A on the plus strand (C>T on the coding strand, the complement: TTN is on the minus strand). VCF-style: chr2-178704243-G-A. GRCh37 (hg19) VCF-style: chr2-179568970-G-A.
Other names: p.His9726Tyr; c.29176C>T, p.His9726Tyr (NM_001256850.1); c.26395C>T, p.His8799Tyr (NM_133378.4); c.13282+33839C>T (NM_003319.4); c.13858+33839C>T (NM_133437.4); c.13657+33839C>T (NM_133432.3); short protein forms H10043Y, H8799Y, H9726Y.
Identifiers: ClinVar variation 2682782 (VCV002682782.1), dbSNP rs989692401, ClinGen allele CA60999299.